The following is an entry in ClinVar:

ClinVar aggregate classification (germline): Uncertain significance (1 of 4 stars; one submission).

Submission:

CeGaT Center for Human Genetics Tuebingen
Classification: Uncertain significance. Last evaluated: 2026-07-01. Review status: criteria provided, single submitter. Criteria: CeGaT Center For Human Genetics Tuebingen Variant Classification Criteria Version 2. Collection method: clinical testing. Allele origin: germline. Affected: yes. Observed: 1 variant allele.
Comment: SHANK3: PM2:Supporting, BP4

NM_001372044.2(SHANK3):c.2358G>T (p.Gly786=)

Gene: SHANK3 (SH3 and multiple ankyrin repeat domains 3; plus strand). Cytogenetic location: 22q13.33.
Variant type: single nucleotide variant.
Coding change: c.2358G>T on transcript NM_001372044.2 (MANE Select); coding-DNA position 2358, G replaced by T.
Protein change: p.Gly786=; no amino-acid change (glycine 786 retained).
Molecular consequence: synonymous variant.
Genome position (GRCh38, 1-based): chr22:50,711,637, G>T. VCF-style: chr22-50711637-G-T. GRCh37 (hg19) VCF-style: chr22-51150065-G-T.
Identifiers: ClinVar variation 5039917 (VCV005039917.1).